The following is an entry in ClinVar:

ClinVar aggregate classification (germline): Uncertain significance. Review status: criteria provided, multiple submitters, no conflicts (2 of 4 stars). 2 submissions from 2 submitters: Uncertain significance (2). Last evaluated 2024-01-09.

Conditions:
Cardiovascular phenotype. Identifiers: MedGen CN230736.

Allele frequency attached by ClinVar (database versions not stated): TOPMed 0.00001.

Submissions (2):

Ambry Genetics
Classification: Uncertain significance for Cardiovascular phenotype. Last evaluated: 2024-01-09. Review status: criteria provided, single submitter. Criteria: Ambry Variant Classification Scheme 2023. Collection method: clinical testing. Allele origin: germline.
Comment: The c.-1C>T variant is located in the 5' untranslated region (5&rsquo; UTR) of the SCN1B gene. This variant results from a C to T substitution 1 nucleotide upstream from the first translated codon. This nucleotide position is highly conserved in available vertebrate species. Since supporting evidence is limited at this time, the clinical significance of this alteration remains unclear.

GeneDx
Classification: Uncertain significance. Last evaluated: 2016-12-05. Review status: criteria provided, single submitter. Criteria: GeneDx Variant Classification (06012015). Collection method: clinical testing. Allele origin: germline. Affected: yes.
Comment: A variant of uncertain significance has been identified in the SCN1B gene. The c.-1 C>T variant has not been published as a pathogenic variant, nor has it been reported as a benign variant to our knowledge. Although the c.-1 C>T variant was not observed in approximately 1,500 individuals of European and African American ancestry in the NHLBI Exome Sequencing Project, the data was noted to have reduced depth of sequencing reads and therefore may be unreliable. It occurs at a position that is conserved in mammals. This substitution alters a position in the Kozak sequence, which is located in the 5' untranslated region (UTR) of the gene and plays a role in the initiation of protein translation. However, in the absence of RNA/functional studies, the actual effect of this sequence change in this individual is unknown. Additionally, variants in the 5' UTR of the SCN1B gene have not been reported in the Human Gene Mutation Database (Stenson et al., 2014). Therefore, based on the currently available information, it is unclear whether this variant is a pathogenic variant or a rare benign variant.

NM_001037.5(SCN1B):c.-1C>T

Gene: SCN1B (sodium voltage-gated channel beta subunit 1; plus strand). Cytogenetic location: 19q13.11.
Variant type: single nucleotide variant.
Coding change: c.-1C>T on transcript NM_001037.5 (MANE Select); 1 bases upstream of the start codon, C replaced by T.
Molecular consequence: 5 prime UTR variant.
Genome position (GRCh38, 1-based): chr19:35,030,820, C>T. VCF-style: chr19-35030820-C-T. GRCh37 (hg19) VCF-style: chr19-35521724-C-T.
Other names: c.-1C>T (NM_199037.5).
Identifiers: ClinVar variation 373645 (VCV000373645.3), dbSNP rs1057518527, ClinGen allele CA16043084.
Genomic context (GRCh38, chr19:35,030,820, plus strand): 5'-CTCTCGCCCCGCTATTAATACCGGCGGCCCGGGAGGGGGGCGCAGCACGCGCCGCGCAGC[C>T]ATGGGGAGGCTGCTGGCCTTAGTGGTCGGCGCGGCACTGGGTGAGTGCGCGGGGGGCGCG-3'